The following is an entry in ClinVar:

NM_000264.5(PTCH1):c.3833C>T (p.Pro1278Leu)

Gene: PTCH1 (patched 1; minus strand). Cytogenetic location: 9q22.32.
Variant type: single nucleotide variant.
Coding change: c.3833C>T on transcript NM_000264.5 (MANE Select); coding-DNA position 3833, C replaced by T.
Protein change: p.Pro1278Leu; replaces proline 1278 with leucine.
Molecular consequence: missense variant. On other transcripts: non-coding transcript variant (1).
Genome position (GRCh38, 1-based): chr9:95,447,423, G>A on the plus strand (C>T on the coding strand, the complement: PTCH1 is on the minus strand). VCF-style: chr9-95447423-G-A. GRCh37 (hg19) VCF-style: chr9-98209705-G-A.
Other names: c.3635C>T, p.Pro1212Leu (NM_001083602.3); c.3830C>T, p.Pro1277Leu (NM_001083603.3); c.3380C>T, p.Pro1127Leu (NM_001083604.3, NM_001083605.3, NM_001083606.3 and 1 more transcripts); c.3677C>T, p.Pro1226Leu (NM_001354918.2); c.3833C>T (NM_000264.3); short protein forms P1212L, P1226L, P1278L, P1127L, P1277L.
Identifiers: ClinVar variation 1436196 (VCV001436196.7), dbSNP rs2136584562, ClinGen allele CA374110826.
Genomic context (GRCh38, chr9:95,447,423, plus strand): 5'-TGCCGTCCGGGAGGCAGGGACCCTGAGTCCAGGTGGGGCTGCTGTCTCGGGTTCGAGGGT[G>A]GGTGATGCCTGGATTCGGGATGGACCACCTGCAGAGGGTGAGGGTGGGTTAGAAGGGTGG-3'
Protein context (NP_000255.2, residues 1268-1288): TVVHPESRHH[Pro1278Leu]PSNPRQQPHL

ClinVar aggregate classification (germline): Conflicting classifications of pathogenicity. Review status: criteria provided, conflicting classifications (1 of 4 stars). 2 submissions from 2 submitters: Uncertain significance (1); Likely benign (1). Last evaluated 2025-06-27.

Conditions:
Hereditary cancer-predisposing syndrome. Also called: Neoplastic Syndromes, Hereditary; Hereditary Cancer Syndrome; Tumor predisposition; Hereditary neoplastic syndrome. Identifiers: Orphanet 140162, MedGen C0027672, MeSH D009386, MONDO:0015356.
Gorlin syndrome. Also called: Basal cell nevus syndrome; Nevoid Basal Cell Carcinoma Syndrome. Identifiers: Orphanet 377, MedGen C0004779, MONDO:0007187.

Allele frequency attached by ClinVar (database versions not stated): gnomAD exomes below 0.00001.
gnomAD v4.1: 4 of 1,600,848 alleles (0.00025%); highest among the groups gnomAD compares: Non-Finnish European, 0.00034%; no homozygotes.

Submissions (2):

Ambry Genetics
Classification: Likely benign for Hereditary cancer-predisposing syndrome. Last evaluated: 2025-06-27. Review status: criteria provided, single submitter. Criteria: Ambry Variant Classification Scheme 2023. Collection method: clinical testing. Allele origin: germline.

Labcorp Genetics (formerly Invitae), Labcorp
Classification: Uncertain significance for Gorlin syndrome. Last evaluated: 2022-01-27. Review status: criteria provided, single submitter. Criteria: Invitae Variant Classification Sherloc (09022015). Collection method: clinical testing. Allele origin: germline.
Comment: This sequence change replaces proline, which is neutral and non-polar, with leucine, which is neutral and non-polar, at codon 1278 of the PTCH1 protein (p.Pro1278Leu). In summary, the available evidence is currently insufficient to determine the role of this variant in disease. Therefore, it has been classified as a Variant of Uncertain Significance. Advanced modeling of protein sequence and biophysical properties (such as structural, functional, and spatial information, amino acid conservation, physicochemical variation, residue mobility, and thermodynamic stability) performed at Invitae indicates that this missense variant is not expected to disrupt PTCH1 protein function. This variant has not been reported in the literature in individuals affected with PTCH1-related conditions. This variant is not present in population databases (gnomAD no frequency).